The following is an entry in ClinVar:

ClinVar aggregate classification (germline): Uncertain significance (1 of 4 stars; one submission).

Submission:

Labcorp Genetics (formerly Invitae), Labcorp
Classification: Uncertain significance. Last evaluated: 2020-03-14. Review status: criteria provided, single submitter. Criteria: Invitae Variant Classification Sherloc (09022015). Collection method: clinical testing. Allele origin: germline.
Comment: This sequence change replaces serine with isoleucine at codon 563 of the REST protein (p.Ser563Ile). The serine residue is moderately conserved and there is a large physicochemical difference between serine and isoleucine. This variant is not present in population databases (ExAC no frequency). In summary, the available evidence is currently insufficient to determine the role of this variant in disease. Therefore, it has been classified as a Variant of Uncertain Significance. Algorithms developed to predict the effect of missense changes on protein structure and function are either unavailable or do not agree on the potential impact of this missense change (SIFT: "Deleterious"; PolyPhen-2: "Possibly Damaging"; Align-GVGD: "Class C15"). This variant has not been reported in the literature in individuals with REST-related conditions.

NM_005612.5(REST):c.1688G>T (p.Ser563Ile)

Gene: REST (RE1 silencing transcription factor; plus strand). Cytogenetic location: 4q12.
Variant type: single nucleotide variant.
Coding change: c.1688G>T on transcript NM_005612.5 (MANE Select); coding-DNA position 1688, G replaced by T.
Protein change: p.Ser563Ile; replaces serine 563 with isoleucine.
Molecular consequence: missense variant.
Genome position (GRCh38, 1-based): chr4:56,930,546, G>T. VCF-style: chr4-56930546-G-T. GRCh37 (hg19) VCF-style: chr4-57796712-G-T.
Other names: c.1688G>T, p.Ser563Ile (NM_001193508.2, NM_001363453.3); short protein forms S563I.
Identifiers: ClinVar variation 1043920 (VCV001043920.8), dbSNP rs1177703488, ClinGen allele CA357007189.